The following is an entry in ClinVar:

ClinVar aggregate classification (germline): Pathogenic. Review status: criteria provided, single submitter (1 of 4 stars). 3 submissions from 3 submitters: Pathogenic (1). 2 of the submissions do not count toward it. Last evaluated 2022-01-14.

Conditions:
Hyperekplexia 3 (HKPX3). Also called: HYPEREKPLEXIA 3, AUTOSOMAL RECESSIVE; HYPEREKPLEXIA 3, AUTOSOMAL DOMINANT. Identifiers: Orphanet 3197, MedGen C3553288, MONDO:0013827, OMIM 614618.

Submissions (3):

Labcorp Genetics (formerly Invitae), Labcorp
Classification: Pathogenic for Hyperekplexia 3. Last evaluated: 2022-01-14. Review status: criteria provided, single submitter. Criteria: Invitae Variant Classification Sherloc (09022015). Collection method: clinical testing. Allele origin: germline.
Comment: For these reasons, this variant has been classified as Pathogenic. This variant has not been reported in the literature in individuals affected with SLC6A5-related conditions. This variant is present in population databases (no rsID available, gnomAD 0.002%). This sequence change creates a premature translational stop signal (p.Val432Phefs*99) in the SLC6A5 gene. It is expected to result in an absent or disrupted protein product. Loss-of-function variants in SLC6A5 are known to be pathogenic (PMID: 14622583, 16751771, 22700964).

GeneReviews
Classification: Pathogenic for Hyperekplexia. Last evaluated: 2012-10-04. Review status: no assertion criteria provided. Collection method: curation. Allele origin: unknown. Not counted in ClinVar's aggregate classification.
ClinVar note: Converted during submission from pathologic to Pathogenic.

OMIM
Classification: Pathogenic for HYPEREKPLEXIA 3, AUTOSOMAL RECESSIVE. Last evaluated: 2006-07-01. Review status: no assertion criteria provided. Collection method: literature only. Allele origin: germline. Not counted in ClinVar's aggregate classification.

Literature cited by the submitters: PubMed 14622583 (cited by Labcorp Genetics (formerly Invitae), Labcorp); PubMed 16751771 (cited by Labcorp Genetics (formerly Invitae), Labcorp and OMIM); PubMed 22700964 (cited by Labcorp Genetics (formerly Invitae), Labcorp).

NM_004211.5(SLC6A5):c.1294delinsTT (p.Val432fs)

Gene: SLC6A5 (solute carrier family 6 member 5; plus strand). Cytogenetic location: 11p15.1.
Variant type: Indel.
Coding change: c.1294delinsTT on transcript NM_004211.5 (MANE Select); coding-DNA position 1294, G replaced by TT.
Protein change: p.Val432fs; shifts the reading frame from valine 432.
Molecular consequence: frameshift variant.
Genome position (GRCh38, 1-based): chr11:20,626,741, G replaced by TT. VCF-style: chr11-20626741-G-TT. GRCh37 (hg19) VCF-style: chr11-20648287-G-TT.
Other names: V432F; G1294T / Ins[T]1295; c.592delinsTT, p.Val198fs (NM_001318369.2); short protein forms V198fs, V432fs.
Identifiers: ClinVar variation 5762 (VCV000005762.8), dbSNP rs281864924, ClinGen allele CA340452.